The following is an entry in ClinVar:

ClinVar aggregate classification (germline): Pathogenic. Review status: reviewed by expert panel (3 of 4 stars). 4 submissions from 4 submitters: Pathogenic (1). 3 of the submissions do not count toward it. Last evaluated 2026-02-24.

Conditions:
Complex neurodevelopmental disorder. Identifiers: Orphanet 528084, MedGen C5568766, MONDO:0100038.
Developmental and epileptic encephalopathy, 11 (DEE11). Also called: Early infantile epileptic encephalopathy 11. Identifiers: Orphanet 1934, MedGen C3150987, MONDO:0013388, OMIM 613721.
Seizures, benign familial infantile, 3 (BFIS3). Also called: CONVULSIONS, BENIGN FAMILIAL INFANTILE, 3; Familial neonatal seizures. Identifiers: Orphanet 140927, Orphanet 306, MedGen C1843140, MONDO:0011904, OMIM 607745.

Submissions (4):

ClinGen Epilepsy Sodium Channel Variant Curation Expert Panel, Clingen
Classification: Pathogenic for Complex neurodevelopmental disorder. Last evaluated: 2026-02-24. Review status: reviewed by expert panel. Criteria: ClinGen EpilepsySCN ACMG Specifications SCN2A V2.0.0. Collection method: curation. Allele origin: germline. Inheritance: Autosomal dominant inheritance.
Comment: The c.4879G>A variant in SCN2A is a missense variant predicted to cause substitution of Valine by Methionine at amino acid 1627 (p.Val1627Met). This variant has been identified as a de novo occurrence with unconfirmed parental relationships in 1 individual with Complex Neurodevelopmental Disorder (PM6_supporting; PMID 28379373) and identified as a de novo with confirmed parental relationships in 1 individual with Complex Neurodevelopmental Disorder (PS2_moderate; internal case at Invitae/Labcorp). This variant has been reported in 4 additional cases with Complex Neurodevelopmental Disorder (PS4_strong; Invitae/Labcorp and GeneDx internal data). This variant is absent from gnomAD v4.1.0 (PM2_supporting) and resides within a region of SCN2A that is defined as a mutational hotspot and/or critical functional domain by the ClinGen Epilepsy Sodium Channel VCEP (PM1). The computational predictor REVEL gives a score of 0.877, which is above the threshold of 0.773, evidence that correlates with impact to SCN2A function (PP3_moderate). In summary, this variant meets the criteria to be classified as pathogenic for autosomal dominant Complex Neurodevelopmental Disorder based on the ACMG/AMP criteria applied, as specified by the ClinGen Epilepsy Sodium Channel VCEP: PS4, PM1, PS2_moderate, PP3_moderate, PM2_supporting,PM6_supporting. (Version 2.0.0; approved 02/24/2026).

Labcorp Genetics (formerly Invitae), Labcorp
Classification: Pathogenic for Seizures, benign familial infantile, 3; Developmental and epileptic encephalopathy, 11. Last evaluated: 2022-10-25. Review status: criteria provided, single submitter. Criteria: Invitae Variant Classification Sherloc (09022015). Collection method: clinical testing. Allele origin: germline. Not counted in ClinVar's aggregate classification.
Comment: This missense change has been observed in individual(s) with epilepsy and SCN2A-related disorders (PMID: 28379373; Invitae). In at least one individual the variant was observed to be de novo. ClinVar contains an entry for this variant (Variation ID: 207018). Advanced modeling of protein sequence and biophysical properties (such as structural, functional, and spatial information, amino acid conservation, physicochemical variation, residue mobility, and thermodynamic stability) performed at Invitae indicates that this missense variant is expected to disrupt SCN2A protein function. For these reasons, this variant has been classified as Pathogenic. This variant is not present in population databases (gnomAD no frequency). This sequence change replaces valine, which is neutral and non-polar, with methionine, which is neutral and non-polar, at codon 1627 of the SCN2A protein (p.Val1627Met).

CeGaT Center for Human Genetics Tuebingen
Classification: Pathogenic. Last evaluated: 2018-11-01. Review status: criteria provided, single submitter. Criteria: CeGaT Center For Human Genetics Tuebingen Variant Classification Criteria Version 2. Collection method: clinical testing. Allele origin: germline. Affected: yes. Observed: 2 variant alleles. Not counted in ClinVar's aggregate classification.

GeneDx
Classification: Uncertain significance. Last evaluated: 2013-10-24. Review status: flagged submission. Criteria: GeneDx Variant Classification (06012015). Collection method: clinical testing. Allele origin: germline. Affected: yes. Not counted in ClinVar's aggregate classification.
Comment: p.Val1627Met (GTG>ATG): c.4879 G>A in exon 27 of the SCN2A gene (NM_021007.2). The Val627Met missense change has not been published as a mutation, nor has it been reported as a benign polymorphism to our knowledge. It was not observed in approximately 6,500 individuals of European and African American ancestry in the NHLBI Exome Sequencing Project, indicating it is not a common benign variant in these populations. This variant is a conservative substitution, as Valine and Methionine are both uncharged, non-polar amino acids. It alters a highly conserved position in the S4 segment of the fourth transmembrane domain of the protein. In silico analysis predicts this variant is probably damaging to the protein structure/function. Therefore, based on the currently available information, it is unclear whether Val627Met is a disease-causing mutation or a rare benign variant. The variant is found in INFANT-EPI panel(s).
ClinVar note: Reason: Older claim that does not account for recent evidence

Literature cited by the submitters: PubMed 28379373 (cited by Labcorp Genetics (formerly Invitae), Labcorp).

NM_001040142.2(SCN2A):c.4879G>A (p.Val1627Met)

Gene: SCN2A (sodium voltage-gated channel alpha subunit 2; plus strand). Cytogenetic location: 2q24.3.
Variant type: single nucleotide variant.
Coding change: c.4879G>A on transcript NM_001040142.2 (MANE Select); coding-DNA position 4879, G replaced by A.
Protein change: p.Val1627Met; replaces valine 1627 with methionine.
Molecular consequence: missense variant.
Genome position (GRCh38, 1-based): chr2:165,388,685, G>A. VCF-style: chr2-165388685-G-A. GRCh37 (hg19) VCF-style: chr2-166245195-G-A.
Other names: p.V1627M:GTG>ATG; NM_001040142.2(SCN2A):c.4879G>A; p.Val1627Met; c.4879G>A, p.Val1627Met (NM_001040143.2, NM_001371246.1, NM_001371247.1 and 1 more transcripts); short protein forms V1627M.
Identifiers: ClinVar variation 207018 (VCV000207018.51), dbSNP rs796053156, ClinGen allele CA318015.